The following is an entry in ClinVar:

ClinVar aggregate classification (germline): Uncertain significance. Review status: criteria provided, multiple submitters, no conflicts (2 of 4 stars). 3 submissions from 3 submitters: Uncertain significance (3). Last evaluated 2025-01-15.

Conditions:
Epidermolysis bullosa simplex 5B, with muscular dystrophy (EBS5B). Also called: Epidermolysis bullosa simplex with muscular dystrophy; EPIDERMOLYSIS BULLOSA SIMPLEX AND LIMB-GIRDLE MUSCULAR DYSTROPHY. Identifiers: Orphanet 257, MedGen C2931072, MONDO:0009181, OMIM 226670.
Epidermolysis bullosa simplex, Ogna type (EBS5A). Also called: Pidermolysis bullosa simplex 5A, Ogna type; EPIDERMOLYSIS BULLOSA SIMPLEX 5A, OGNA TYPE. Identifiers: Orphanet 79401, MedGen C0432317, MONDO:0007555, OMIM 131950.
Autosomal recessive limb-girdle muscular dystrophy type 2Q (LGMDR17). Also called: MUSCULAR DYSTROPHY, LIMB-GIRDLE, AUTOSOMAL RECESSIVE 17. Identifiers: Orphanet 254361, MedGen C3150989, MONDO:0013390, OMIM 613723.
Epidermolysis bullosa simplex with nail dystrophy (EBS5D). Identifiers: MedGen C4225309, MONDO:0014661, OMIM 616487.
Epidermolysis bullosa simplex 5C, with pyloric atresia (EBS5C). Also called: Epidermolysis bullosa simplex with pyloric atresia; PLEC-Related Epidermolysis Bullosa with Pyloric Atresia; PLEC1-Related Epidermolysis Bullosa with Pyloric Atresia. Identifiers: Orphanet 158684, MedGen C2677349, MONDO:0012807, OMIM 612138.
Inborn genetic diseases. Identifiers: MedGen C0950123, MeSH D030342.

Allele frequency attached by ClinVar (database versions not stated): TOPMed 0.00002; gnomAD 0.00004.
gnomAD v4.1: 42 of 1,613,010 alleles (0.0026%); highest among the groups gnomAD compares: East Asian, 0.013%; no homozygotes.

Submissions (3):

Ambry Genetics
Classification: Uncertain significance for Inborn genetic diseases. Last evaluated: 2025-01-15. Review status: criteria provided, single submitter. Criteria: Ambry Variant Classification Scheme 2023. Collection method: clinical testing. Allele origin: germline.

Labcorp Genetics (formerly Invitae), Labcorp
Classification: Uncertain significance for Autosomal recessive limb-girdle muscular dystrophy type 2Q; Epidermolysis bullosa simplex, Ogna type; Epidermolysis bullosa simplex with nail dystrophy; Epidermolysis bullosa simplex 5C, with pyloric atresia; Epidermolysis bullosa simplex 5B, with muscular dystrophy. Last evaluated: 2024-11-06. Review status: criteria provided, single submitter. Criteria: Invitae Variant Classification Sherloc (09022015). Collection method: clinical testing. Allele origin: germline.
Comment: This sequence change replaces aspartic acid, which is acidic and polar, with asparagine, which is neutral and polar, at codon 482 of the PLEC protein (p.Asp482Asn). This variant is present in population databases (rs576247373, gnomAD 0.006%). This variant has not been reported in the literature in individuals affected with PLEC-related conditions. ClinVar contains an entry for this variant (Variation ID: 962899). Experimental studies and prediction algorithms are not available or were not evaluated, and the functional significance of this variant is currently unknown. In summary, the available evidence is currently insufficient to determine the role of this variant in disease. Therefore, it has been classified as a Variant of Uncertain Significance.

Revvity Omics, Revvity
Classification: Uncertain significance. Last evaluated: 2019-12-10. Review status: criteria provided, single submitter. Criteria: ACMG Guidelines, 2015. Collection method: clinical testing. Allele origin: germline.

NM_201384.3(PLEC):c.1363G>A (p.Asp455Asn)

Gene: PLEC (plectin; minus strand). Cytogenetic location: 8q24.3.
Variant type: single nucleotide variant.
Coding change: c.1363G>A on transcript NM_201384.3 (MANE Select); coding-DNA position 1363, G replaced by A.
Protein change: p.Asp455Asn; replaces aspartic acid 455 with asparagine.
Molecular consequence: missense variant.
Genome position (GRCh38, 1-based): chr8:143,933,252, C>T on the plus strand (G>A on the coding strand, the complement: PLEC is on the minus strand). VCF-style: chr8-143933252-C-T. GRCh37 (hg19) VCF-style: chr8-145007420-C-T.
Other names: c.1444G>A (NM_000445.3); c.1444G>A, p.Asp482Asn (NM_000445.5); c.1321G>A, p.Asp441Asn (NM_201378.4); c.1297G>A, p.Asp433Asn (NM_201379.3); c.1774G>A, p.Asp592Asn (NM_201380.4); c.1267G>A, p.Asp423Asn (NM_201381.3); c.1363G>A, p.Asp455Asn (NM_201382.4); c.1375G>A, p.Asp459Asn (NM_201383.3); short protein forms D455N, D433N, D459N, D592N, D482N, D423N, D441N.
Identifiers: ClinVar variation 962899 (VCV000962899.10), dbSNP rs576247373, ClinGen allele CA4928004.